The following is an entry in ClinVar:

NM_000441.2(SLC26A4):c.1871T>C (p.Leu624Pro)

Gene: SLC26A4 (solute carrier family 26 member 4; plus strand). Cytogenetic location: 7q22.3.
Variant type: single nucleotide variant.
Coding change: c.1871T>C on transcript NM_000441.2 (MANE Select); coding-DNA position 1871, T replaced by C.
Protein change: p.Leu624Pro; replaces leucine 624 with proline.
Molecular consequence: missense variant.
Genome position (GRCh38, 1-based): chr7:107,701,894, T>C. VCF-style: chr7-107701894-T-C. GRCh37 (hg19) VCF-style: chr7-107342339-T-C.
Other names: short protein forms L624P.
Identifiers: ClinVar variation 667161 (VCV000667161.6), dbSNP rs1345776426, ClinGen allele CA368843364.

ClinVar aggregate classification (germline): Conflicting classifications of pathogenicity. Review status: criteria provided, conflicting classifications (1 of 4 stars). 2 submissions from 2 submitters: Uncertain significance (1); Likely benign (1). Last evaluated 2024-02-24.

Allele frequency attached by ClinVar (database versions not stated): gnomAD exomes 0.00001 and 0.00004.
gnomAD v4.1: 54 of 1,613,570 alleles (0.0033%); highest among the groups gnomAD compares: Non-Finnish European, 0.0045%; no homozygotes.

Submissions (2):

Labcorp Genetics (formerly Invitae), Labcorp
Classification: Uncertain significance. Last evaluated: 2024-02-24. Review status: criteria provided, single submitter. Criteria: Invitae Variant Classification Sherloc (09022015). Collection method: clinical testing. Allele origin: germline.
Comment: This sequence change replaces leucine, which is neutral and non-polar, with proline, which is neutral and non-polar, at codon 624 of the SLC26A4 protein (p.Leu624Pro). This variant is present in population databases (no rsID available, gnomAD 0.002%). This variant has not been reported in the literature in individuals affected with SLC26A4-related conditions. ClinVar contains an entry for this variant (Variation ID: 667161). Algorithms developed to predict the effect of missense changes on protein structure and function output the following: SIFT: "Not Available"; PolyPhen-2: "Benign"; Align-GVGD: "Not Available". The proline amino acid residue is found in multiple mammalian species, which suggests that this missense change does not adversely affect protein function. In summary, the available evidence is currently insufficient to determine the role of this variant in disease. Therefore, it has been classified as a Variant of Uncertain Significance.

Laboratory for Molecular Medicine, Mass General Brigham Personalized Medicine
Classification: Likely benign. Last evaluated: 2018-05-15. Review status: criteria provided, single submitter. Criteria: LMM Criteria. Collection method: clinical testing. Allele origin: germline. Observed: 1 variant allele.
Comment: p.Leu624Pro in exon 17 of SLC26A4: This variant is classified as likely benign d ue to a lack of conservation across species, including mammals. Of note, most ot her mammals have a proline (Pro) at this position despite high nearby amino acid conservation. In addition, computational prediction tools and conservation anal ysis suggest that the p.Leu624Pro variant may not impact the protein. This varia nt has been identified in 2/111378 of European chromosomes by the Genome Aggrega tion Database (gnomAD; dbSNP rs1345776426). AC MG/AMP criteria applied: BP4_S; PM2.